The following is an entry in ClinVar:

NM_001365536.1(SCN9A):c.131AAG[1] (p.Glu45del)

Gene: SCN9A (sodium voltage-gated channel alpha subunit 9; minus strand). Cytogenetic location: 2q24.3.
Variant type: Microsatellite.
Coding change: c.131AAG[1] on transcript NM_001365536.1 (MANE Select); one copy of the 3-base unit AAG starting at c.131; the reference has two copies in a row; one copy, 3 bases deleted.
Protein change: p.Glu45del; deletes glutamic acid 45.
Molecular consequence: inframe deletion. On other transcripts: inframe indel (1).
Genome position (GRCh38, 1-based): chr2:166,311,621-166,311,623, CTT deleted on the plus strand (AAG on the coding strand, the reverse complement: SCN9A is on the minus strand); deleting any 3 consecutive bases within chr2:166,311,621-166,311,627 gives the same sequence; the position shown is the placement nearest the transcript's 3' end. VCF-style (leftmost placement, unchanged base first): chr2-166311620-GCTT-G. GRCh37 (hg19) VCF-style: chr2-167168130-GCTT-G.
Other names: c.130_132GAA[1], p.Glu45del (NM_002977.4); c.134_136delAAG (NM_002977.3); c.134_136del (NM_002977.3); short protein forms E45del.
Identifiers: ClinVar variation 586526 (VCV000586526.13), dbSNP rs1198936365, ClinGen allele CA537657825.

ClinVar aggregate classification (germline): Uncertain significance. Review status: criteria provided, multiple submitters, no conflicts (2 of 4 stars). 3 submissions from 3 submitters: Uncertain significance (3). Last evaluated 2024-11-24.

Conditions:
Generalized epilepsy with febrile seizures plus, type 7 (GEFSP7). Also called: GEFS+, TYPE 7. Identifiers: Orphanet 36387, MedGen C2751778, MONDO:0013470, OMIM 613863.
Neuropathy, hereditary sensory and autonomic, type 2A (HSAN2A). Also called: HSAN IIA; WNK1-Related HSAN2 (HSAN2A); ACROOSTEOLYSIS, GIACCAI TYPE; ACROOSTEOLYSIS, NEUROGENIC; MORVAN DISEASE; NEUROPATHY, CONGENITAL SENSORY. Identifiers: Orphanet 970, MedGen C2752089, MONDO:0024309, OMIM 201300.
Inborn genetic diseases. Identifiers: MedGen C0950123, MeSH D030342.

Submissions (3):

Labcorp Genetics (formerly Invitae), Labcorp
Classification: Uncertain significance for Neuropathy, hereditary sensory and autonomic, type 2A; Generalized epilepsy with febrile seizures plus, type 7. Last evaluated: 2024-11-24. Review status: criteria provided, single submitter. Criteria: Invitae Variant Classification Sherloc (09022015). Collection method: clinical testing. Allele origin: germline.
Comment: This variant, c.134_136del, results in the deletion of 1 amino acid(s) of the SCN9A protein (p.Glu45del), but otherwise preserves the integrity of the reading frame. This variant is present in population databases (no rsID available, gnomAD 0.0009%). This variant has not been reported in the literature in individuals affected with SCN9A-related conditions. ClinVar contains an entry for this variant (Variation ID: 586526). Experimental studies and prediction algorithms are not available or were not evaluated, and the functional significance of this variant is currently unknown. In summary, the available evidence is currently insufficient to determine the role of this variant in disease. Therefore, it has been classified as a Variant of Uncertain Significance.

Ambry Genetics
Classification: Uncertain significance for Inborn genetic diseases. Last evaluated: 2022-03-03. Review status: criteria provided, single submitter. Criteria: Ambry Variant Classification Scheme 2023. Collection method: clinical testing. Allele origin: germline.
Comment: The c.134_136delAAG variant (also known as p.E45del) is located in coding exon 1 of the SCN9A gene. This variant results from an in-frame AAG deletion at nucleotide positions 134 to 136. This results in the in-frame deletion of a glutamic acid at codon 45. This amino acid position is not well conserved in available vertebrate species. In addition, this alteration is predicted to be deleterious by in silico analysis (Choi Y et al. PLoS ONE. 2012; 7(10):e46688). Since supporting evidence is limited at this time, the clinical significance of this alteration remains unclear.

Athena Diagnostics
Classification: Uncertain significance. Last evaluated: 2018-03-02. Review status: criteria provided, single submitter. Criteria: Athena Diagnostics Criteria. Collection method: clinical testing. Allele origin: germline.